The following is an entry in ClinVar:

ClinVar aggregate classification (germline): Benign. Review status: criteria provided, multiple submitters, no conflicts (2 of 4 stars). 4 submissions from 4 submitters: Benign (3). 1 of the submissions does not count toward it. Last evaluated 2026-01-26.

Allele frequency attached by ClinVar (database versions not stated): gnomAD 0.01762; TOPMed 0.01856; 1000 Genomes Project 0.01937; 1000 Genomes Project 30x 0.02030; ESP Exome Variant Server 0.02056.
gnomAD v4.1: 5,840 of 1,612,788 alleles (0.36%); highest among the groups gnomAD compares: African/African-American, 5.9%; 152 homozygotes.

Submissions (4):

Labcorp Genetics (formerly Invitae), Labcorp
Classification: Benign. Last evaluated: 2026-01-26. Review status: criteria provided, single submitter. Criteria: Invitae Variant Classification Sherloc (09022015). Collection method: clinical testing. Allele origin: germline.

GeneDx
Classification: Benign. Last evaluated: 2018-10-21. Review status: criteria provided, single submitter. Criteria: GeneDx Variant Classification Process June 2021. Collection method: clinical testing. Allele origin: germline. Affected: yes.

Breakthrough Genomics
Classification: Benign. Review status: criteria provided, single submitter. Criteria: ACMG Guidelines, 2015. Collection method: not provided. Allele origin: germline. Inheritance: Autosomal recessive inheritance. Affected: yes.

Genetic Services Laboratory, University of Chicago
Classification: Likely benign for AllHighlyPenetrant. Review status: no assertion criteria provided. Collection method: clinical testing. Allele origin: germline. Inheritance: Autosomal recessive inheritance. Not counted in ClinVar's aggregate classification.
Comment: Likely benign based on allele frequency in 1000 Genomes Project or ESP global frequency and its presence in a patient with a rare or unrelated disease phenotype. NOT Sanger confirmed.

NM_030928.4(CDT1):c.1179G>C (p.Gly393=)

Gene: CDT1 (chromatin licensing and DNA replication factor 1; plus strand). Cytogenetic location: 16q24.3.
Variant type: single nucleotide variant.
Coding change: c.1179G>C on transcript NM_030928.4 (MANE Select); coding-DNA position 1179, G replaced by C.
Protein change: p.Gly393=; no amino-acid change (glycine 393 retained).
Molecular consequence: synonymous variant.
Genome position (GRCh38, 1-based): chr16:88,807,107, G>C. VCF-style: chr16-88807107-G-C. GRCh37 (hg19) VCF-style: chr16-88873515-G-C.
Identifiers: ClinVar variation 128666 (VCV000128666.19), dbSNP rs74035837, ClinGen allele CA152254.